The following is an entry in ClinVar:

ClinVar aggregate classification (germline): Uncertain significance. Review status: criteria provided, multiple submitters, no conflicts (2 of 4 stars). 2 submissions from 2 submitters: Uncertain significance (2). Last evaluated 2024-03-07.

Conditions:
FREM1-related disorder. Also called: FREM1-Related Disorders; FREM1-related condition.
BNAR syndrome. Also called: Bifid Nose With or Without Anorectal and Renal Anomalies (BNAR) Syndrome. Identifiers: Orphanet 217266, MedGen C2750433, MONDO:0012165, OMIM 608980.
Oculotrichoanal syndrome (MOTA). Also called: MARLES SYNDROME; Manitoba Oculotrichoanal (MOTA) Syndrome. Identifiers: Orphanet 2717, MedGen C1855425, MONDO:0009560, OMIM 248450.
Trigonocephaly 2 (TRIGNO2). Identifiers: Orphanet 3366, MedGen C3280974, MONDO:0013774, OMIM 614485.

Allele frequency attached by ClinVar (database versions not stated): TOPMed 0.00001; ExAC 0.00001.

Submissions (2):

Fulgent Genetics
Classification: Uncertain significance for Oculotrichoanal syndrome; BNAR syndrome; Trigonocephaly 2. Last evaluated: 2024-03-07. Review status: criteria provided, single submitter. Criteria: ACMG Guidelines, 2015. Collection method: clinical testing. Allele origin: germline.

PreventionGenetics, part of Exact Sciences
Classification: Uncertain significance for FREM1-related condition. Last evaluated: 2023-08-18. Review status: criteria provided, single submitter. Criteria: ACMG Guidelines, 2015. Collection method: clinical testing. Allele origin: germline.
Comment: The FREM1 c.3653A>G variant is predicted to result in the amino acid substitution p.His1218Arg. To our knowledge, this variant has not been reported in the literature. This variant is reported in 0.0058% of alleles in individuals of Latino descent in gnomAD. At this time, the clinical significance of this variant is uncertain due to the absence of conclusive functional and genetic evidence.

NM_001379081.2(FREM1):c.3653A>G (p.His1218Arg)

Gene: FREM1 (FRAS1 related extracellular matrix 1; minus strand). Cytogenetic location: 9p22.3.
Variant type: single nucleotide variant.
Coding change: c.3653A>G on transcript NM_001379081.2 (MANE Select); coding-DNA position 3653, A replaced by G.
Protein change: p.His1218Arg; replaces histidine 1218 with arginine.
Molecular consequence: missense variant. On other transcripts: non-coding transcript variant (2).
Genome position (GRCh38, 1-based): chr9:14,801,693, T>C on the plus strand (A>G on the coding strand, the complement: FREM1 is on the minus strand). VCF-style: chr9-14801693-T-C. GRCh37 (hg19) VCF-style: chr9-14801691-T-C.
Other names: c.3653A>G, p.His1218Arg (NM_144966.7); short protein forms H1218R.
Identifiers: ClinVar variation 2630999 (VCV002630999.2), dbSNP rs777229782, ClinGen allele CA4990471.